The following is an entry in ClinVar:

NM_001201543.2(FAM161A):c.1768A>G (p.Arg590Gly)

Gene: FAM161A (FAM161 centrosomal protein A; minus strand). Cytogenetic location: 2p15.
Variant type: single nucleotide variant.
Coding change: c.1768A>G on transcript NM_001201543.2 (MANE Select); coding-DNA position 1768, A replaced by G.
Protein change: p.Arg590Gly; replaces arginine 590 with glycine.
Molecular consequence: missense variant. On other transcripts: non-coding transcript variant (1).
Genome position (GRCh38, 1-based): chr2:61,836,093, T>C on the plus strand (A>G on the coding strand, the complement: FAM161A is on the minus strand). VCF-style: chr2-61836093-T-C. GRCh37 (hg19) VCF-style: chr2-62063228-T-C.
Other names: c.1600A>G, p.Arg534Gly (NM_032180.3); short protein forms R534G, R590G.
Identifiers: ClinVar variation 2261115 (VCV002261115.4), dbSNP rs3710, ClinGen allele CA48475676.
Genomic context (GRCh38, chr2:61,836,093, plus strand): 5'-GTGGCCTCTTTTTTAATTTTTCTTCTCTTTCTTCTAGTTCTCGTTGGTATTCTCTCATCC[T>C]TTCCTTTTCGCTCTTTCTAAAATTAAAGAAAAGCAATGGAATTTTAAAAGATCATCTAAG-3'
Protein context (NP_001188472.1, residues 580-600): VKCLRKSEKE[Arg590Gly]MREYQRELEE

ClinVar aggregate classification (germline): Uncertain significance. Review status: criteria provided, multiple submitters, no conflicts (2 of 4 stars). 2 submissions from 2 submitters: Uncertain significance (2). Last evaluated 2025-08-12.

Conditions:
Inborn genetic diseases. Identifiers: MedGen C0950123, MeSH D030342.

Allele frequency attached by ClinVar (database versions not stated): gnomAD exomes below 0.00001.
gnomAD v4.1: 2 of 1,609,298 alleles (0.00012%); highest among the groups gnomAD compares: Admixed American, 0.0017%; no homozygotes.

Submissions (2):

Labcorp Genetics (formerly Invitae), Labcorp
Classification: Uncertain significance. Last evaluated: 2025-08-12. Review status: criteria provided, single submitter. Criteria: Invitae Variant Classification Sherloc (09022015). Collection method: clinical testing. Allele origin: germline.
Comment: This sequence change replaces arginine, which is basic and polar, with glycine, which is neutral and non-polar, at codon 590 of the FAM161A protein (p.Arg590Gly). The frequency data for this variant in the population databases is considered unreliable, as metrics indicate poor data quality at this position in the gnomAD database. This variant has not been reported in the literature in individuals affected with FAM161A-related conditions. ClinVar contains an entry for this variant (Variation ID: 2261115). Invitae Evidence Modeling of protein sequence and biophysical properties (such as structural, functional, and spatial information, amino acid conservation, physicochemical variation, residue mobility, and thermodynamic stability) indicates that this missense variant is expected to disrupt FAM161A protein function with a positive predictive value of 80%. In summary, the available evidence is currently insufficient to determine the role of this variant in disease. Therefore, it has been classified as a Variant of Uncertain Significance.

Ambry Genetics
Classification: Uncertain significance for Inborn genetic diseases. Last evaluated: 2021-11-12. Review status: criteria provided, single submitter. Criteria: Ambry Variant Classification Scheme 2023. Collection method: clinical testing. Allele origin: germline.